The following is an entry in ClinVar:

ClinVar aggregate classification (germline): Uncertain significance (1 of 4 stars; one submission).

gnomAD v4.1: 2 of 1,610,886 alleles (0.00012%); highest among the groups gnomAD compares: Non-Finnish European, 0.00017%; no homozygotes.

Submission:

Labcorp Genetics (formerly Invitae), Labcorp
Classification: Uncertain significance. Last evaluated: 2025-12-12. Review status: criteria provided, single submitter. Criteria: Invitae Variant Classification Sherloc (09022015). Collection method: clinical testing. Allele origin: germline.
Comment: This sequence change replaces proline, which is neutral and non-polar, with arginine, which is basic and polar, at codon 420 of the SYNPO protein (p.Pro420Arg). This variant is present in population databases (no rsID available, gnomAD 0.0009%). This variant has not been reported in the literature in individuals affected with SYNPO-related conditions. An algorithm developed to predict the effect of missense changes on protein structure and function (PolyPhen-2) suggests that this variant is likely to be disruptive. In summary, the available evidence is currently insufficient to determine the role of this variant in disease. Therefore, it has been classified as a Variant of Uncertain Significance.

NM_007286.6(SYNPO):c.1259C>G (p.Pro420Arg)

Gene: SYNPO (synaptopodin; plus strand). Cytogenetic location: 5q33.1.
Variant type: single nucleotide variant.
Coding change: c.1259C>G on transcript NM_007286.6 (MANE Select); coding-DNA position 1259, C replaced by G.
Protein change: p.Pro420Arg; replaces proline 420 with arginine.
Molecular consequence: missense variant.
Genome position (GRCh38, 1-based): chr5:150,649,534, C>G. VCF-style: chr5-150649534-C-G. GRCh37 (hg19) VCF-style: chr5-150029096-C-G.
Other names: c.1259C>G, p.Pro420Arg (NM_001109974.3); c.1991C>G, p.Pro664Arg (NM_001166208.2, NM_001166209.2); short protein forms P664R, P420R.
Identifiers: ClinVar variation 4769430 (VCV004769430.1).
Genomic context (GRCh38, chr5:150,649,534, plus strand): 5'-AGACAGCGGATGAGAAGCGGCGGCAGAGGGACCAGGGGGAGGTAGGCGTGGAGGAGGAGC[C>G]CTTCGCACTGGGGGCCGAGGCCTCCAACTTCCAGCAGGAGCCAGCACCTCGTGACAGGGC-3'
Protein context (NP_009217.3, residues 410-430): DQGEVGVEEE[Pro420Arg]FALGAEASNF